The following is an entry in ClinVar:

ClinVar aggregate classification (germline): Uncertain significance (1 of 4 stars; one submission).

gnomAD v4.1: 6 of 1,613,982 alleles (0.00037%); highest among the groups gnomAD compares: Non-Finnish European, 0.00051%; no homozygotes.

Submission:

Ambry Genetics
Classification: Uncertain significance. Last evaluated: 2025-03-19. Review status: criteria provided, single submitter. Criteria: Ambry Variant Classification Scheme 2023. Collection method: clinical testing. Allele origin: germline.
Comment: The p.C332Y variant (also known as c.995G>A), located in coding exon 1 of the TET2 gene, results from a G to A substitution at nucleotide position 995. The cysteine at codon 332 is replaced by tyrosine, an amino acid with highly dissimilar properties. This amino acid position is conserved. In addition, this alteration is predicted to be tolerated by in silico analysis. Based on the available evidence, the clinical significance of this variant remains unclear.

NM_001127208.3(TET2):c.995G>A (p.Cys332Tyr)

Genes: TET2 (tet methylcytosine dioxygenase 2; plus strand), TET2-AS1 (TET2 antisense RNA 1; minus strand). Cytogenetic location: 4q24.
Variant type: single nucleotide variant.
Coding change: c.995G>A on transcript NM_001127208.3 (MANE Select); coding-DNA position 995, G replaced by A.
Protein change: p.Cys332Tyr; replaces cysteine 332 with tyrosine.
Molecular consequence: missense variant.
Genome position (GRCh38, 1-based): chr4:105,234,937, G>A. VCF-style: chr4-105234937-G-A. GRCh37 (hg19) VCF-style: chr4-106156094-G-A.
Other names: c.995G>A, p.Cys332Tyr (NM_017628.4); short protein forms C332Y.
Identifiers: ClinVar variation 3967472 (VCV003967472.1).